The following is an entry in ClinVar:

NM_138775.3(ALKBH8):c.1253G>A (p.Gly418Glu)

Gene: ALKBH8 (alkB homolog 8, tRNA methyltransferase; minus strand). Cytogenetic location: 11q22.3.
Variant type: single nucleotide variant.
Coding change: c.1253G>A on transcript NM_138775.3 (MANE Select); coding-DNA position 1253, G replaced by A.
Protein change: p.Gly418Glu; replaces glycine 418 with glutamic acid.
Molecular consequence: missense variant. On other transcripts: non-coding transcript variant (5).
Genome position (GRCh38, 1-based): chr11:107,522,333, C>T on the plus strand (G>A on the coding strand, the complement: ALKBH8 is on the minus strand). VCF-style: chr11-107522333-C-T. GRCh37 (hg19) VCF-style: chr11-107393059-C-T.
Other names: c.1253G>A, p.Gly418Glu (NM_001301010.3, NM_001378133.1); short protein forms G418E.
Identifiers: ClinVar variation 3368460 (VCV003368460.1).

ClinVar aggregate classification (germline): Uncertain significance (1 of 4 stars; one submission).

Submission:

GeneDx
Classification: Uncertain significance. Last evaluated: 2024-02-22. Review status: criteria provided, single submitter. Criteria: GeneDx Variant Classification Process June 2021. Collection method: clinical testing. Allele origin: germline. Affected: yes.
Comment: Not observed at significant frequency in large population cohorts (gnomAD); In silico analysis supports that this missense variant has a deleterious effect on protein structure/function; Has not been previously published as pathogenic or benign to our knowledge